The following is an entry in ClinVar:

ClinVar aggregate classification (germline): Benign. Review status: criteria provided, multiple submitters, no conflicts (2 of 4 stars). 15 submissions from 12 submitters: Benign (13). 2 of the submissions do not count toward it. Last evaluated 2026-02-04.

Conditions:
Baller-Gerold syndrome (BGS). Also called: CRANIOSYNOSTOSIS WITH RADIAL DEFECTS. Identifiers: Orphanet 1225, MedGen C0265308, MONDO:0009039, OMIM 218600.
Rapadilino syndrome. Identifiers: Orphanet 3021, MedGen C1849453, MONDO:0009955, OMIM 266280.
Rothmund-Thomson syndrome type 2 (RTS2). Identifiers: Orphanet 221016, MedGen C5203410, MONDO:0016369, OMIM 268400.

Allele frequency attached by ClinVar (database versions not stated): ExAC 0.43943; gnomAD exomes 0.44403 and 0.43838; ESP Exome Variant Server 0.33916; TOPMed 0.35704; gnomAD 0.36043 and 0.36994; 1000 Genomes Project 30x 0.36399; 1000 Genomes Project 0.37001.

Submissions (16):

Labcorp Genetics (formerly Invitae), Labcorp
Classification: Benign for Baller-Gerold syndrome. Last evaluated: 2026-02-04. Review status: criteria provided, single submitter. Criteria: Invitae Variant Classification Sherloc (09022015). Collection method: clinical testing. Allele origin: germline.

KCCC/NGS Laboratory, Kuwait Cancer Control Center
Classification: Benign for Rapadilino syndrome. Last evaluated: 2025-02-01. Review status: criteria provided, single submitter. Criteria: ACMG Guidelines, 2015. Collection method: clinical testing. Allele origin: germline. Affected: no.

Blueprint Genetics
Classification: Benign. Last evaluated: 2024-11-27. Review status: criteria provided, single submitter. Criteria: ACMG Guidelines, 2015. Collection method: clinical testing. Allele origin: germline.

KCCC/NGS Laboratory, Kuwait Cancer Control Center
Classification: Benign for Rothmund-Thomson syndrome type 2. Last evaluated: 2023-07-07. Review status: criteria provided, single submitter. Criteria: ACMG Guidelines, 2015. Collection method: clinical testing. Allele origin: germline. Affected: yes.

Mayo Clinic Laboratories, Mayo Clinic
Classification: Benign. Last evaluated: 2022-09-06. Review status: criteria provided, single submitter. Criteria: ACMG Guidelines, 2015. Collection method: clinical testing. Allele origin: germline. Observed: 213 variant alleles.

Genome-Nilou Lab
Classification: Benign for Baller-Gerold syndrome. Last evaluated: 2021-11-07. Review status: criteria provided, single submitter. Criteria: ACMG Guidelines, 2015. Collection method: clinical testing. Allele origin: germline. Affected: no.

Genome-Nilou Lab
Classification: Benign for Rapadilino syndrome. Last evaluated: 2021-11-07. Review status: criteria provided, single submitter. Criteria: ACMG Guidelines, 2015. Collection method: clinical testing. Allele origin: germline. Affected: no.

Genome-Nilou Lab
Classification: Benign for Rothmund-Thomson syndrome type 2. Last evaluated: 2021-11-07. Review status: criteria provided, single submitter. Criteria: ACMG Guidelines, 2015. Collection method: clinical testing. Allele origin: germline. Affected: no.

GeneDx
Classification: Benign. Last evaluated: 2018-03-24. Review status: criteria provided, single submitter. Criteria: GeneDx Variant Classification (06012015). Collection method: clinical testing. Allele origin: germline. Affected: yes.
Comment: This variant is considered likely benign or benign based on one or more of the following criteria: it is a conservative change, it occurs at a poorly conserved position in the protein, it is predicted to be benign by multiple in silico algorithms, and/or has population frequency not consistent with disease.

Laboratory for Molecular Medicine, Mass General Brigham Personalized Medicine
Classification: Benign. Last evaluated: 2016-03-29. Review status: criteria provided, single submitter. Criteria: LMM Criteria. Collection method: clinical testing. Allele origin: germline.
Comment: Variant identified in a genome or exome case(s) and assessed due to predicted null impact of the variant or pathogenic assertions in the literature or databases. Disclaimer: This variant has not undergone full assessment. The following are preliminary notes: Frequency

Eurofins Ntd Llc (ga)
Classification: Benign. Last evaluated: 2016-03-16. Review status: criteria provided, single submitter. Criteria: EGL Classification Definitions 2015. Collection method: clinical testing. Allele origin: germline. Observed: 26 variant alleles, 17 heterozygotes, 9 homozygotes.

Breakthrough Genomics
Classification: Benign. Review status: criteria provided, single submitter. Criteria: ACMG Guidelines, 2015. Collection method: not provided. Allele origin: germline. Inheritance: Autosomal recessive inheritance. Affected: yes.

PreventionGenetics, part of Exact Sciences
Classification: Benign. Review status: criteria provided, single submitter. Criteria: ACMG Guidelines, 2015. Collection method: clinical testing. Allele origin: germline.

Diagnostic Laboratory, Department of Genetics, University Medical Center Groningen
Classification: Benign. Review status: no assertion criteria provided. Collection method: clinical testing. Allele origin: germline. Affected: yes. Study: VKGL Data-share Consensus. Not counted in ClinVar's aggregate classification.

Dr. Peter K. Rogan Lab, Western University
No classification provided (evidence only). Condition: Familial cancer of breast. Review status: no classification provided. Collection method: in vitro. Allele origin: not applicable. Functional consequence: retained intron. Not counted in ClinVar's aggregate classification.

Joint Genome Diagnostic Labs from Nijmegen and Maastricht, Radboudumc and MUMC+
Classification: Benign. Review status: no assertion criteria provided. Collection method: clinical testing. Allele origin: germline. Affected: yes. Study: VKGL Data-share Consensus. Not counted in ClinVar's aggregate classification.

NM_004260.4(RECQL4):c.738C>T (p.Ser246=)

Gene: RECQL4 (RecQ like helicase 4; minus strand). Cytogenetic location: 8q24.3.
Variant type: single nucleotide variant.
Coding change: c.738C>T on transcript NM_004260.4 (MANE Select); coding-DNA position 738, C replaced by T.
Protein change: p.Ser246=; no amino-acid change (serine 246 retained).
Molecular consequence: synonymous variant.
Genome position (GRCh38, 1-based): chr8:144,516,381, G>A on the plus strand (C>T on the coding strand, the complement: RECQL4 is on the minus strand). VCF-style: chr8-144516381-G-A. GRCh37 (hg19) VCF-style: chr8-145741765-G-A.
Other names: p.Ser246=.
Identifiers: ClinVar variation 94897 (VCV000094897.30), dbSNP rs4244613, ClinGen allele CA147893.
Genomic context (GRCh38, chr8:144,516,381, plus strand): 5'-CTCGTTCCATCTCCGCTTCTCGCCTCCACTGCTGCTGGGCTGGGGGCTCCCCACACGGAT[G>A]CTGACTTCTTGGAAGGCTGAAGCCTCTGGGCCCTGGGAGCCAGCACCAGGACCAAGGACA-3'
Protein context (NP_004251.4, residues 236-256): GPEASAFQEV[Ser246=]IRVGSPQPSS